The following is an entry in ClinVar:

NM_000424.4(KRT5):c.434T>A (p.Val145Asp)

Gene: KRT5 (keratin 5; minus strand). Cytogenetic location: 12q13.13.
Variant type: single nucleotide variant.
Coding change: c.434T>A on transcript NM_000424.4 (MANE Select); coding-DNA position 434, T replaced by A.
Protein change: p.Val145Asp; replaces valine 145 with aspartic acid.
Molecular consequence: missense variant.
Genome position (GRCh38, 1-based): chr12:52,519,863, A>T on the plus strand (T>A on the coding strand, the complement: KRT5 is on the minus strand). VCF-style: chr12-52519863-A-T. GRCh37 (hg19) VCF-style: chr12-52913647-A-T.
Other names: short protein forms V145D.
Identifiers: ClinVar variation 546131 (VCV000546131.2), dbSNP rs1555156480, ClinGen allele CA384929261.

ClinVar aggregate classification (germline): Likely pathogenic (1 of 4 stars; one submission).

Submission:

GeneDx
Classification: Likely pathogenic. Last evaluated: 2018-06-01. Review status: criteria provided, single submitter. Criteria: GeneDx Variant Classification (06012015). Collection method: clinical testing. Allele origin: germline. Affected: yes.
Comment: The V145D variant in the KRT5 gene has been reported previously in an individual with generalized severe epidermolysis bullosa simplex (Sathishkumar et al., 2016). The V145D variant is not observed in large population cohorts (Lek et al., 2016). The V145D variant is a non-conservative amino acid substitution, which is likely to impact secondary protein structure as these residues differ in polarity, charge, size and/or other properties. This variant occurs within the head domain. In-silico analyses, including protein predictors and evolutionary conservation, support a deleterious effect. We interpret V145D as a likely pathogenic variant.